The following is an entry in ClinVar:

NM_006361.6(HOXB13):c.722T>A (p.Ile241Asn)

Gene: HOXB13 (homeobox B13; minus strand). Cytogenetic location: 17q21.32.
Variant type: single nucleotide variant.
Coding change: c.722T>A on transcript NM_006361.6 (MANE Select); coding-DNA position 722, T replaced by A.
Protein change: p.Ile241Asn; replaces isoleucine 241 with asparagine.
Molecular consequence: missense variant.
Genome position (GRCh38, 1-based): chr17:48,726,923, A>T on the plus strand (T>A on the coding strand, the complement: HOXB13 is on the minus strand). VCF-style: chr17-48726923-A-T. GRCh37 (hg19) VCF-style: chr17-46804285-A-T.
Other names: short protein forms I241N.
Identifiers: ClinVar variation 4644162 (VCV004644162.1).

ClinVar aggregate classification (germline): Uncertain significance (1 of 4 stars; one submission).

Conditions:
Hereditary cancer-predisposing syndrome. Also called: Neoplastic Syndromes, Hereditary; Tumor predisposition; Hereditary Cancer Syndrome; Hereditary neoplastic syndrome. Identifiers: Orphanet 140162, MedGen C0027672, MeSH D009386, MONDO:0015356.

Submission:

Ambry Genetics
Classification: Uncertain significance for Hereditary cancer-predisposing syndrome. Last evaluated: 2025-11-12. Review status: criteria provided, single submitter. Criteria: Ambry Variant Classification Scheme 2023. Collection method: clinical testing. Allele origin: germline.
Comment: The p.I241N variant (also known as c.722T>A), located in coding exon 2 of the HOXB13 gene, results from a T to A substitution at nucleotide position 722. The isoleucine at codon 241 is replaced by asparagine, an amino acid with dissimilar properties. This amino acid position is conserved. In addition, this alteration is predicted to be deleterious by in silico analysis. Based on the available evidence, the clinical significance of this variant remains unclear.